The following is an entry in ClinVar:

NM_001258392.3(CLPB):c.1859G>A (p.Arg620His)

Gene: CLPB (ClpB family mitochondrial disaggregase; minus strand). Cytogenetic location: 11q13.4.
Variant type: single nucleotide variant.
Coding change: c.1859G>A on transcript NM_001258392.3 (MANE Select); coding-DNA position 1859, G replaced by A.
Protein change: p.Arg620His; replaces arginine 620 with histidine.
Molecular consequence: missense variant.
Genome position (GRCh38, 1-based): chr11:72,293,542, C>T on the plus strand (G>A on the coding strand, the complement: CLPB is on the minus strand). VCF-style: chr11-72293542-C-T. GRCh37 (hg19) VCF-style: chr11-72004586-C-T.
Other names: c.1772G>A, p.Arg591His (NM_001258393.3); c.1814G>A, p.Arg605His (NM_001258394.3); c.1949G>A, p.Arg650His (NM_030813.6); c.1949G>A (NM_030813.3); short protein forms R605H, R620H, R591H, R650H.
Identifiers: ClinVar variation 665509 (VCV000665509.10), dbSNP rs137882645, ClinGen allele CA6171007.

ClinVar aggregate classification (germline): Uncertain significance. Review status: criteria provided, multiple submitters, no conflicts (2 of 4 stars). 4 submissions from 4 submitters: Uncertain significance (4). Last evaluated 2026-04-02.

Conditions:
Inborn genetic diseases. Identifiers: MedGen C0950123, MeSH D030342.
3-methylglutaconic aciduria, type VIIB (MGCA7B). Also called: 3-methylglutaconic aciduria, type VII, with cataracts, neurologic involvement and neutropenia; 3-methylglutaconic aciduria with cataracts, neurologic involvement and neutropenia; CLPB Deficiency. Identifiers: Orphanet 445038, MedGen C5676893, MONDO:0014561, OMIM 616271.

Allele frequency attached by ClinVar (database versions not stated): TOPMed 0.00012; ESP Exome Variant Server 0.00015.
gnomAD v4.1: 49 of 1,613,988 alleles (0.003%); highest among the groups gnomAD compares: African/African-American, 0.048%; no homozygotes.

Submissions (4):

GeneDx
Classification: Uncertain significance. Last evaluated: 2026-04-02. Review status: criteria provided, single submitter. Criteria: GeneDx Variant Classification Process June 2021. Collection method: clinical testing. Allele origin: germline.
Comment: In silico analysis suggests that this missense variant does not alter protein structure/function; Has not been previously published as pathogenic or benign to our knowledge

Labcorp Genetics (formerly Invitae), Labcorp
Classification: Uncertain significance for 3-methylglutaconic aciduria, type VIIB. Last evaluated: 2025-03-07. Review status: criteria provided, single submitter. Criteria: Invitae Variant Classification Sherloc (09022015). Collection method: clinical testing. Allele origin: germline.
Comment: This sequence change replaces arginine, which is basic and polar, with histidine, which is basic and polar, at codon 650 of the CLPB protein (p.Arg650His). This variant is present in population databases (rs137882645, gnomAD 0.02%). This variant has not been reported in the literature in individuals affected with CLPB-related conditions. ClinVar contains an entry for this variant (Variation ID: 665509). An algorithm developed to predict the effect of missense changes on protein structure and function (PolyPhen-2) suggests that this variant is likely to be tolerated. In summary, the available evidence is currently insufficient to determine the role of this variant in disease. Therefore, it has been classified as a Variant of Uncertain Significance.

Ambry Genetics
Classification: Uncertain significance for Inborn genetic diseases. Last evaluated: 2023-09-25. Review status: criteria provided, single submitter. Criteria: Ambry Variant Classification Scheme 2023. Collection method: clinical testing. Allele origin: germline.

Breakthrough Genomics
Classification: Uncertain significance. Review status: criteria provided, single submitter. Criteria: ACMG Guidelines, 2015. Collection method: not provided. Allele origin: germline. Inheritance: Autosomal recessive inheritance. Affected: yes.